The following is an entry in ClinVar:

NM_000038.6(APC):c.4072G>A (p.Ala1358Thr)

Gene: APC (APC regulator of Wnt signaling pathway; plus strand). Cytogenetic location: 5q22.2.
Variant type: single nucleotide variant.
Coding change: c.4072G>A on transcript NM_000038.6 (MANE Select); coding-DNA position 4072, G replaced by A.
Protein change: p.Ala1358Thr; replaces alanine 1358 with threonine.
Molecular consequence: missense variant.
Genome position (GRCh38, 1-based): chr5:112,839,666, G>A. VCF-style: chr5-112839666-G-A. GRCh37 (hg19) VCF-style: chr5-112175363-G-A.
Other names: p.A1358T:GCG>ACG; c.4072G>A, p.Ala1358Thr (NM_001127510.3, NM_001354895.2); c.4018G>A, p.Ala1340Thr (NM_001127511.3); c.4126G>A, p.Ala1376Thr (NM_001354896.2); c.4102G>A, p.Ala1368Thr (NM_001354897.2); c.3997G>A, p.Ala1333Thr (NM_001354898.2); c.3988G>A, p.Ala1330Thr (NM_001354899.2); c.3949G>A, p.Ala1317Thr (NM_001354900.2); and 6 more; short protein forms A1340T, A1358T, A1257T, A1317T, A1330T, A1368T, A1198T, A1267T.
Identifiers: ClinVar variation 141191 (VCV000141191.48), dbSNP rs139618756, ClinGen allele CA008897.
Genomic context (GRCh38, chr5:112,839,666, plus strand): 5'-CAGGGTTCTAGTTTATCTTCAGAATCAGCCAGGCACAAAGCTGTTGAATTTTCTTCAGGA[G>A]CGAAATCTCCCTCCAAAAGTGGTGCTCAGACACCCAAAAGTCCACCTGAACACTATGTTC-3'
Protein context (NP_000029.2, residues 1348-1368): RHKAVEFSSG[Ala1358Thr]KSPSKSGAQT

ClinVar aggregate classification (germline): Conflicting classifications of pathogenicity. Review status: criteria provided, conflicting classifications (1 of 4 stars). 16 submissions from 16 submitters: Uncertain significance (5); Likely benign (7). 4 of the submissions do not count toward it. Last evaluated 2026-03-30.

Conditions:
Classic or attenuated familial adenomatous polyposis. Identifiers: MedGen CN372698, MONDO:0021057.
APC-related disorder. Also called: APC-related condition.
Hereditary cancer-predisposing syndrome. Also called: Tumor predisposition; Neoplastic Syndromes, Hereditary; Hereditary neoplastic syndrome; Hereditary Cancer Syndrome. Identifiers: Orphanet 140162, MedGen C0027672, MeSH D009386, MONDO:0015356.
Familial adenomatous polyposis 1 (FAP1). Also called: FAMILIAL ADENOMATOUS POLYPOSIS 1, ATTENUATED; POLYPOSIS, ADENOMATOUS INTESTINAL. Identifiers: MedGen C2713442, MONDO:0021056, OMIM 175100. Disease mechanism: loss of function.

Allele frequency attached by ClinVar (database versions not stated): gnomAD 0.00006 and 0.00007; ExAC 0.00007; TOPMed 0.00007; gnomAD exomes 0.00008 and 0.00017; ESP Exome Variant Server 0.00023.
gnomAD v4.1: 256 of 1,613,982 alleles (0.016%); highest among the groups gnomAD compares: Non-Finnish European, 0.021%; no homozygotes.

Submissions 1 to 11 of 16:

Women's Health and Genetics/Laboratory Corporation of America, LabCorp
Classification: Likely benign. Last evaluated: 2026-03-30. Review status: criteria provided, single submitter. Criteria: LabCorp Variant Classification Summary - May 2015. Collection method: clinical testing. Allele origin: germline.
Comment: Variant summary: APC c.4072G>A (p.Ala1358Thr) results in a non-conservative amino acid change in the encoded protein sequence. Algorithms developed to predict the effect of missense changes on protein structure and function all suggest that this variant is likely to be disruptive. The variant allele was found at a frequency of 8.4e-05 in 250742 control chromosomes, predominantly at a frequency of 0.00017 within the Non-Finnish European subpopulation in the gnomAD database. The observed variant frequency within Non-Finnish European control individuals in the gnomAD database exceeds the estimated maximal expected allele frequency for disease-causing variants in APC. c.4072G>A has been reported in the literature as a VUS in settings of multigene panel testing in individuals affected with various tumor phenotypes, including breast cancer, colorectal cancer, suspected Lynch syndrome and in cell lines harboring known and distinct somatic mutations such as EGFR exon 19 deletions (example, Yurgelun_2015, Zhang_2015, Yurgelun_2015, Raskin_2017, Toth_2018, Mancini_2019, Tung_2015, Svensson_2022). To our knowledge, no experimental evidence demonstrating an impact on protein function has been reported. The following publications have been ascertained in the context of this evaluation (PMID: 25256751, 26643872, 31547467, 29212164, 29723602, 25186627, 25980754, 28135145, 26580448, 35430768). ClinVar contains an entry for this variant (Variation ID: 141191). Based on the evidence outlined above, the variant was classified as likely benign.

Labcorp Genetics (formerly Invitae), Labcorp
Classification: Likely benign for Familial adenomatous polyposis 1. Last evaluated: 2026-01-31. Review status: criteria provided, single submitter. Criteria: Invitae Variant Classification Sherloc (09022015). Collection method: clinical testing. Allele origin: germline.

Quest Diagnostics Nichols Institute San Juan Capistrano
Classification: Likely benign. Last evaluated: 2025-10-09. Review status: criteria provided, single submitter. Criteria: Quest Diagnostics criteria. Collection method: clinical testing. Allele origin: unknown.

PreventionGenetics, part of Exact Sciences
Classification: Likely benign for APC-related condition. Last evaluated: 2025-10-01. Review status: criteria provided, single submitter. Criteria: ACMG Guidelines, 2015. Collection method: clinical testing. Allele origin: germline.
Comment: This variant is classified as likely benign based on ACMG/AMP sequence variant interpretation guidelines (Richards et al. 2015 PMID: 25741868, with internal and published modifications).

Myriad Genetics, Inc.
Classification: Likely benign for Familial adenomatous polyposis 1. Last evaluated: 2025-01-29. Review status: criteria provided, single submitter. Criteria: Myriad Autosomal Dominant, Autosomal Recessive and X-Linked Classification Criteria (2023). Collection method: clinical testing. Allele origin: unknown.
Comment: This variant is considered likely benign. This variant has been observed at a population frequency that is significantly greater than expected given the associated disease prevalence and penetrance.

Blueprint Genetics
Classification: Likely benign. Last evaluated: 2024-11-13. Review status: criteria provided, single submitter. Criteria: ACMG Guidelines, 2015. Collection method: clinical testing. Allele origin: germline.

All of Us Research Program, National Institutes of Health
Classification: Uncertain significance for Classic or attenuated familial adenomatous polyposis. Last evaluated: 2024-08-29. Review status: criteria provided, single submitter. Criteria: ACMG Guidelines, 2015. Collection method: clinical testing. Allele origin: germline. Inheritance: Autosomal dominant inheritance. Observed: 33 variant alleles, 33 heterozygotes.
Comment: This missense variant replaces alanine with threonine at codon 1358 of the APC protein. Computational prediction suggests that this variant may not impact protein structure and function (internally defined REVEL score threshold <= 0.5, PMID: 27666373). To our knowledge, functional studies have not been reported for this variant. This variant has been reported in individuals affected with colorectal cancer or suspected Lynch syndrome (PMID: 25980754, 28135145, 29212164), and affected kidney cancer (PMID 29684080). This variant has also been identified in 22/282130 chromosomes in the general population by the Genome Aggregation Database (gnomAD). The available evidence is insufficient to determine the role of this variant in disease conclusively. Therefore, this variant is classified as a Variant of Uncertain Significance.

This study involves interpretation of variants in research participants for the purpose of population health screening. Participant phenotype was not available at the time of variant classification. Additional details can be found in publication PMID: 35346344, PMCID: PMC8962531

Color Diagnostics, LLC DBA Color Health
Classification: Uncertain significance for Hereditary cancer-predisposing syndrome. Last evaluated: 2024-04-23. Review status: criteria provided, single submitter. Criteria: ACMG Guidelines, 2015. Collection method: clinical testing. Allele origin: germline.
Comment: This missense variant replaces alanine with threonine at codon 1358 of the APC protein. Computational prediction suggests that this variant may not impact protein structure and function (internally defined REVEL score threshold <= 0.5, PMID: 27666373). To our knowledge, functional studies have not been reported for this variant. This variant has been reported in individuals affected with colorectal cancer or suspected Lynch syndrome (PMID: 25980754, 28135145, 29212164), and kidney cancer (PMID: 29684080). This variant has also been identified in 22/282130 chromosomes in the general population by the Genome Aggregation Database (gnomAD). The available evidence is insufficient to determine the role of this variant in disease conclusively. Therefore, this variant is classified as a Variant of Uncertain Significance.

St. Jude Molecular Pathology, St. Jude Children's Research Hospital
Classification: Uncertain significance for Familial adenomatous polyposis 1. Last evaluated: 2022-07-18. Review status: criteria provided, single submitter. Criteria: St. Jude Assertion Criteria 2020. Collection method: clinical testing. Allele origin: germline.
Comment: The APC c.4072G>A (p.Ala1358Thr) missense change has a maximum subpopulation frequency of 0.016% in gnomAD v2.1.1. The in silico tool REVEL is inconclusive about a pathogenic or benign effect of this variant on protein function, and to our knowledge functional studies have not been performed. This variant has been reported in individuals with a personal and/or family history of colorectal cancer (PMID: 28135145, 29212164). In summary, the evidence currently available is insufficient to determine the clinical significance of this variant. It has therefore been classified as of uncertain significance.

Sema4
Classification: Uncertain significance for Hereditary cancer-predisposing syndrome. Last evaluated: 2021-12-09. Review status: criteria provided, single submitter. Criteria: Sema4 Curation Guidelines. Collection method: curation. Allele origin: germline.
Comment: The APC c.4072G>A (p.A1358T) variant has been reported in heterozygosity in individuals with colon polyps, colorectal cancer, pancreatic cancer, and/or other Lynch syndrome-related cancer (PMID: 28135145, 29212164, 25980754). It was also reported in an individual with melanoma (PMID: 25148578). It was observed in 20/128560 chromosomes of the Non-Finnish European subpopulation, with no homozygotes, in the large and broad cohorts of the Genome Aggregation Database (PMID: 32461654). The variant has been reported in ClinVar (Variation ID: 141191). Functional studies have not been performed, and in silico predictions of the variant's effect on protein function are inconclusive. The evidence is insufficient to meet ACMG/AMP criteria for classifying the variant as benign or pathogenic. Thus, the clinical significance of this variant is currently uncertain.

Ambry Genetics
Classification: Likely benign for Hereditary cancer-predisposing syndrome. Last evaluated: 2019-05-06. Review status: criteria provided, single submitter. Criteria: Ambry Variant Classification Scheme 2023. Collection method: clinical testing. Allele origin: germline.